The following is an entry in ClinVar:

NM_001371623.1(TCOF1):c.2635G>A (p.Glu879Lys)

Gene: TCOF1 (treacle ribosome biogenesis factor 1; plus strand). Cytogenetic location: 5q32.
Variant type: single nucleotide variant.
Coding change: c.2635G>A on transcript NM_001371623.1 (MANE Select); coding-DNA position 2635, G replaced by A.
Protein change: p.Glu879Lys; replaces glutamic acid 879 with lysine.
Molecular consequence: missense variant.
Genome position (GRCh38, 1-based): chr5:150,379,385, G>A. VCF-style: chr5-150379385-G-A. GRCh37 (hg19) VCF-style: chr5-149758948-G-A.
Other names: c.2404G>A, p.Glu802Lys (NM_000356.4, NM_001135245.2); c.2635G>A, p.Glu879Lys (NM_001008657.3, NM_001135243.2, NM_001135244.2 and 1 more transcripts); short protein forms E802K, E879K.
Identifiers: ClinVar variation 3345380 (VCV003345380.1).

ClinVar aggregate classification (germline): Uncertain significance (0 of 4 stars; one submission).

Conditions:
TCOF1-related disorder. Also called: TCOF1-related condition.

gnomAD v4.1: 3 of 1,614,154 alleles (0.00019%); highest among the groups gnomAD compares: Admixed American, 0.0017%; no homozygotes.

Submission:

PreventionGenetics, part of Exact Sciences
Classification: Uncertain significance for TCOF1-related condition. Last evaluated: 2024-09-03. Review status: no assertion criteria provided. Collection method: clinical testing. Allele origin: germline.
Comment: The TCOF1 c.2635G>A variant is predicted to result in the amino acid substitution p.Glu879Lys. To our knowledge, this variant has not been reported in the literature. This variant is reported in 0.0029% of alleles in individuals of Latino descent in gnomAD. At this time, the clinical significance of this variant is uncertain due to the absence of conclusive functional and genetic evidence.